The following is an entry in ClinVar:

ClinVar aggregate classification (germline): Benign/Likely benign. Review status: criteria provided, multiple submitters, no conflicts (2 of 4 stars). 3 submissions from 3 submitters: Benign (1); Likely benign (1). 1 of the submissions does not count toward it. Last evaluated 2026-01-28.

Conditions:
Deficiency of alpha-mannosidase (MANSA). Also called: Mannosidosis, alpha-, types I and II; LYSOSOMAL ALPHA-D-MANNOSIDASE DEFICIENCY; Alpha-Mannosidosis. Identifiers: Orphanet 61, MedGen C0024748, MONDO:0009561, OMIM 248500.
MAN2B1-related disorder. Also called: MAN2B1-related condition.

Allele frequency attached by ClinVar (database versions not stated): TOPMed 0.00061; gnomAD 0.00062 and 0.00072; gnomAD exomes 0.00006 and 0.00016; ExAC 0.00022; 1000 Genomes Project 30x 0.00031; 1000 Genomes Project 0.00040; ESP Exome Variant Server 0.00054.
gnomAD v4.1: 196 of 1,612,508 alleles (0.012%); highest among the groups gnomAD compares: African/African-American, 0.24%; 1 homozygote.

Submissions (3):

Labcorp Genetics (formerly Invitae), Labcorp
Classification: Benign for Deficiency of alpha-mannosidase. Last evaluated: 2026-01-28. Review status: criteria provided, single submitter. Criteria: Invitae Variant Classification Sherloc (09022015). Collection method: clinical testing. Allele origin: germline.

PreventionGenetics, part of Exact Sciences
Classification: Likely benign for MAN2B1-related condition. Last evaluated: 2024-10-25. Review status: criteria provided, single submitter. Criteria: ACMG Guidelines, 2015. Collection method: clinical testing. Allele origin: germline.
Comment: This variant is classified as likely benign based on ACMG/AMP sequence variant interpretation guidelines (Richards et al. 2015 PMID: 25741868, with internal and published modifications).

Natera, Inc.
Classification: Likely benign for Alpha-mannosidosis. Last evaluated: 2020-06-13. Review status: no assertion criteria provided. Collection method: clinical testing. Allele origin: germline. Not counted in ClinVar's aggregate classification.

NM_000528.4(MAN2B1):c.2409C>T (p.Ser803=)

Gene: MAN2B1 (mannosidase alpha class 2B member 1; minus strand). Cytogenetic location: 19p13.13.
Variant type: single nucleotide variant.
Coding change: c.2409C>T on transcript NM_000528.4 (MANE Select); coding-DNA position 2409, C replaced by T.
Protein change: p.Ser803=; no amino-acid change (serine 803 retained).
Molecular consequence: synonymous variant.
Genome position (GRCh38, 1-based): chr19:12,649,163, G>A on the plus strand (C>T on the coding strand, the complement: MAN2B1 is on the minus strand). VCF-style: chr19-12649163-G-A. GRCh37 (hg19) VCF-style: chr19-12759977-G-A.
Other names: c.2406C>T, p.Ser802= (NM_001173498.2).
Identifiers: ClinVar variation 729437 (VCV000729437.13), dbSNP rs147850230, ClinGen allele CA9226041.